The following is an entry in ClinVar:

ClinVar aggregate classification (germline): Pathogenic (1 of 4 stars; one submission).

Conditions:
Complex neurodevelopmental disorder. Identifiers: Orphanet 528084, MedGen C5568766, MONDO:0100038.

Submission:

GeneDx
Classification: Pathogenic. Last evaluated: 2018-04-25. Review status: criteria provided, single submitter. Criteria: GeneDx Variant Classification (06012015). Collection method: clinical testing. Allele origin: germline. Affected: yes.
Comment: The c.247dupC variant in the DYRK1A gene has not been reported previously as a pathogenic variant nor as a benign variant, to our knowledge. The c.247dupC variant causes a frameshift starting with codon Glutamine 83, changes this amino acid to a Proline residue, and creates a premature Stop codon at position 5 of the new reading frame, denoted p.Gln83ProfsX5. This variant is predicted to cause loss of normal protein function either through protein truncation or nonsense-mediated mRNA decay. The c.247dupC variant is not observed in large population cohorts (Lek et al., 2016). We interpret c.247dupC as a pathogenic variant.

NM_001347721.2(DYRK1A):c.220dup (p.Gln74fs)

Gene: DYRK1A (dual specificity tyrosine phosphorylation regulated kinase 1A; plus strand). Cytogenetic location: 21q22.13.
Variant type: Duplication.
Coding change: c.220dup on transcript NM_001347721.2 (MANE Select); coding-DNA position 220, one base duplicated (C; older notation c.220dupC).
Protein change: p.Gln74fs; shifts the reading frame from glutamine 74.
Molecular consequence: frameshift variant.
Genome position (GRCh38, 1-based): chr21:37,478,220, C duplicated; the last of 4 consecutive C bases (chr21:37,478,217-37,478,220); duplicating any one gives the same sequence. VCF-style (leftmost placement, unchanged base first): chr21-37478216-G-GC. GRCh37 (hg19) VCF-style: chr21-38850518-G-GC.
Other names: c.220dup, p.Gln74fs (NM_001347722.2, NM_130436.2); c.133dup, p.Gln45fs (NM_001347723.2); c.247dup, p.Gln83fs (NM_001396.5, NM_101395.2, NM_130438.2); c.247dupC (NM_001396.3); short protein forms Q83fs, Q45fs, Q74fs.
Identifiers: ClinVar variation 524106 (VCV000524106.4), dbSNP rs1555979106, ClinGen allele CA658799431.